The following is an entry in ClinVar:

NM_000455.5(STK11):c.83G>C (p.Arg28Pro)

Gene: STK11 (serine/threonine kinase 11; plus strand). Cytogenetic location: 19p13.3.
Variant type: single nucleotide variant.
Coding change: c.83G>C on transcript NM_000455.5 (MANE Select); coding-DNA position 83, G replaced by C.
Protein change: p.Arg28Pro; replaces arginine 28 with proline.
Molecular consequence: missense variant. On other transcripts: non-coding transcript variant (1).
Genome position (GRCh38, 1-based): chr19:1,206,996, G>C. VCF-style: chr19-1206996-G-C. GRCh37 (hg19) VCF-style: chr19-1206995-G-C.
Other names: c.83G>C, p.Arg28Pro (NM_001407255.1); short protein forms R28P.
Identifiers: ClinVar variation 3702804 (VCV003702804.2).
Genomic context (GRCh38, chr19:1,206,996, plus strand): 5'-AGCTGGGCATGTTCACGGAGGGCGAGCTGATGTCGGTGGGTATGGACACGTTCATCCACC[G>C]CATCGACTCCACCGAGGTCATCTACCAGCCGCGCCGCAAGCGGGCCAAGCTCATCGGCAA-3'
Protein context (NP_000446.1, residues 18-38): MSVGMDTFIH[Arg28Pro]IDSTEVIYQP

ClinVar aggregate classification (germline): Uncertain significance (1 of 4 stars; one submission).

Conditions:
Peutz-Jeghers syndrome (PJS). Also called: Peutz-Jeghers polyposis; Periorificial lentiginosis syndrome; POLYPOSIS, HAMARTOMATOUS INTESTINAL; POLYPS-AND-SPOTS SYNDROME. Identifiers: Orphanet 2869, MedGen C0031269, MeSH D010580, MONDO:0008280, OMIM 175200.

Submission:

Labcorp Genetics (formerly Invitae), Labcorp
Classification: Uncertain significance for Peutz-Jeghers syndrome. Last evaluated: 2024-03-27. Review status: criteria provided, single submitter. Criteria: Invitae Variant Classification Sherloc (09022015). Collection method: clinical testing. Allele origin: germline.
Comment: This sequence change replaces arginine, which is basic and polar, with proline, which is neutral and non-polar, at codon 28 of the STK11 protein (p.Arg28Pro). This variant is not present in population databases (gnomAD no frequency). This variant has not been reported in the literature in individuals affected with STK11-related conditions. Advanced modeling of protein sequence and biophysical properties (such as structural, functional, and spatial information, amino acid conservation, physicochemical variation, residue mobility, and thermodynamic stability) performed at Invitae indicates that this missense variant is expected to disrupt STK11 protein function with a positive predictive value of 95%. In summary, the available evidence is currently insufficient to determine the role of this variant in disease. Therefore, it has been classified as a Variant of Uncertain Significance.